The following is an entry in ClinVar:

ClinVar aggregate classification (germline): Likely benign (1 of 4 stars; one submission).

Conditions:
EBF3-related disorder. Identifiers: MedGen CN239924.

gnomAD v4.1: 24 of 1,614,188 alleles (0.0015%); highest among the groups gnomAD compares: African/African-American, 0.023%; no homozygotes.

Submission:

PreventionGenetics, part of Exact Sciences
Classification: Likely benign for EBF3-related condition. Last evaluated: 2026-09-15. Review status: criteria provided, single submitter. Criteria: ACMG Guidelines, 2015. Collection method: clinical testing. Allele origin: germline.
Comment: This variant is classified as likely benign based on ACMG/AMP sequence variant interpretation guidelines (Richards et al. 2015 PMID: 25741868, with internal and published modifications).

NM_001375380.1(EBF3):c.*13G>A

Gene: EBF3 (EBF transcription factor 3; minus strand). Cytogenetic location: 10q26.3.
Variant type: single nucleotide variant.
Coding change: c.*13G>A on transcript NM_001375380.1 (MANE Select); 13 bases downstream of the stop codon, G replaced by A.
Molecular consequence: 3 prime UTR variant. On other transcripts: synonymous variant (4).
Genome position (GRCh38, 1-based): chr10:129,837,930, C>T on the plus strand (G>A on the coding strand, the complement: EBF3 is on the minus strand). VCF-style: chr10-129837930-C-T. GRCh37 (hg19) VCF-style: chr10-131636194-C-T.
Other names: c.1655G>A, p.Ter552= (NM_001005463.3); c.1790G>A, p.Ter597= (NM_001375379.1); c.*13G>A (NM_001375389.1, NM_001375390.1); c.1682G>A, p.Ter561= (NM_001375391.1); c.1574G>A, p.Ter525= (NM_001375392.1).
Identifiers: ClinVar variation 4977444 (VCV004977444.1).